The following is an entry in ClinVar:

NM_001040108.2(MLH3):c.546C>T (p.His182=)

Gene: MLH3 (mutL homolog 3; minus strand). Cytogenetic location: 14q24.3.
Variant type: single nucleotide variant.
Coding change: c.546C>T on transcript NM_001040108.2 (MANE Select); coding-DNA position 546, C replaced by T.
Protein change: p.His182=; no amino-acid change (histidine 182 retained).
Molecular consequence: synonymous variant.
Genome position (GRCh38, 1-based): chr14:75,049,110, G>A on the plus strand (C>T on the coding strand, the complement: MLH3 is on the minus strand). VCF-style: chr14-75049110-G-A. GRCh37 (hg19) VCF-style: chr14-75515813-G-A.
Other names: c.546C>T, p.His182= (NM_014381.3).
Identifiers: ClinVar variation 1747715 (VCV001747715.8), dbSNP rs1201853162, ClinGen allele CA487274398.

ClinVar aggregate classification (germline): Benign/Likely benign. Review status: criteria provided, multiple submitters, no conflicts (2 of 4 stars). 3 submissions from 3 submitters: Benign (1); Likely benign (2). Last evaluated 2026-09-14.

Conditions:
Colorectal cancer, hereditary nonpolyposis, type 7. Identifiers: Orphanet 144, MedGen C1858380, MONDO:0013725, OMIM 614385.

Allele frequency attached by ClinVar (database versions not stated): gnomAD 0.00001; gnomAD exomes 0.00001.
gnomAD v4.1: 10 of 1,614,008 alleles (0.00062%); highest among the groups gnomAD compares: Non-Finnish European, 0.00085%; no homozygotes.

Submissions (3):

Myriad Genetics, Inc.
Classification: Benign for Colorectal cancer, hereditary nonpolyposis, type 7. Last evaluated: 2026-09-14. Review status: criteria provided, single submitter. Criteria: Myriad Autosomal Dominant, Autosomal Recessive and X-Linked Classification Criteria (2023). Collection method: clinical testing. Allele origin: unknown.
Comment: This variant is considered benign. This variant is a silent/synonymous amino acid change and it is not expected to impact splicing.

Labcorp Genetics (formerly Invitae), Labcorp
Classification: Likely benign for Colorectal cancer, hereditary nonpolyposis, type 7. Last evaluated: 2024-06-03. Review status: criteria provided, single submitter. Criteria: Invitae Variant Classification Sherloc (09022015). Collection method: clinical testing. Allele origin: germline.

Ambry Genetics
Classification: Likely benign. Last evaluated: 2019-12-25. Review status: criteria provided, single submitter. Criteria: Ambry Variant Classification Scheme 2023. Collection method: clinical testing. Allele origin: germline.